The following is an entry in ClinVar:

ClinVar aggregate classification (germline): Uncertain significance (1 of 4 stars; one submission).

Allele frequency attached by ClinVar (database versions not stated): gnomAD 0.00002; TOPMed 0.00002.

Submission:

Labcorp Genetics (formerly Invitae), Labcorp
Classification: Uncertain significance. Last evaluated: 2025-08-04. Review status: criteria provided, single submitter. Criteria: Invitae Variant Classification Sherloc (09022015). Collection method: clinical testing. Allele origin: germline.
Comment: This sequence change replaces asparagine, which is neutral and polar, with lysine, which is basic and polar, at codon 681 of the DCHS1 protein (p.Asn681Lys). This variant is present in population databases (no rsID available, gnomAD 0.01%). This variant has not been reported in the literature in individuals affected with DCHS1-related conditions. ClinVar contains an entry for this variant (Variation ID: 2176252). Invitae Evidence Modeling of protein sequence and biophysical properties (such as structural, functional, and spatial information, amino acid conservation, physicochemical variation, residue mobility, and thermodynamic stability) indicates that this missense variant is not expected to disrupt DCHS1 protein function with a negative predictive value of 80%. In summary, the available evidence is currently insufficient to determine the role of this variant in disease. Therefore, it has been classified as a Variant of Uncertain Significance.

NM_003737.4(DCHS1):c.2043C>A (p.Asn681Lys)

Gene: DCHS1 (dachsous cadherin-related 1; minus strand). Cytogenetic location: 11p15.4.
Variant type: single nucleotide variant.
Coding change: c.2043C>A on transcript NM_003737.4 (MANE Select); coding-DNA position 2043, C replaced by A.
Protein change: p.Asn681Lys; replaces asparagine 681 with lysine.
Molecular consequence: missense variant.
Genome position (GRCh38, 1-based): chr11:6,633,964, G>T on the plus strand (C>A on the coding strand, the complement: DCHS1 is on the minus strand). VCF-style: chr11-6633964-G-T. GRCh37 (hg19) VCF-style: chr11-6655195-G-T.
Other names: short protein forms N681K.
Identifiers: ClinVar variation 2176252 (VCV002176252.4), dbSNP rs1037180390, ClinGen allele CA217299621.
Genomic context (GRCh38, chr11:6,633,964, plus strand): 5'-GCCTGGTGGACTCTGGGCACTTATACTGGCAGCATACTCCCGTGGATAAAACTGAGGAGG[G>T]TTGTCATTCTCGTCTGACAGAAACACCTTCACATATACCATGGACTTGAGGCCTCCCTGG-3'
Protein context (NP_003728.1, residues 671-691): VKVFLSDEND[Asn681Lys]PPQFYPREYA